The following is an entry in ClinVar:

NM_001352514.2(HLCS):c.958dup (p.Gln320fs)

Gene: HLCS (holocarboxylase synthetase; minus strand). Cytogenetic location: 21q22.13.
Variant type: Duplication.
Coding change: c.958dup on transcript NM_001352514.2 (MANE Select); coding-DNA position 958, one base duplicated (C; older notation c.958dupC).
Protein change: p.Gln320fs; shifts the reading frame from glutamine 320.
Molecular consequence: frameshift variant. On other transcripts: non-coding transcript variant (2).
Genome position (GRCh38, 1-based): chr21:36,936,928, G duplicated on the plus strand (C on the coding strand, the reverse complement: HLCS is on the minus strand); the first of 3 consecutive G bases (chr21:36,936,928-36,936,930); duplicating any one gives the same sequence. VCF-style (leftmost placement, unchanged base first): chr21-36936927-T-TG. GRCh37 (hg19) VCF-style: chr21-38309227-T-TG.
Other names: c.517dup, p.Gln173fs (NM_000411.8, NM_001242784.3, NM_001242785.2 and 4 more transcripts); c.517dupC (NM_000411.6); short protein forms Q173fs, Q320fs.
Identifiers: ClinVar variation 2440735 (VCV002440735.4), dbSNP rs2517579694, ClinGen allele CA2580098719.

ClinVar aggregate classification (germline): Likely pathogenic. Review status: criteria provided, multiple submitters, no conflicts (2 of 4 stars). 2 submissions from 2 submitters: Likely pathogenic (2). Last evaluated 2026-07-10.

Conditions:
HLCS-related disorder. Also called: HLCS-related condition.
Holocarboxylase synthetase deficiency. Also called: MULTIPLE CARBOXYLASE DEFICIENCY, EARLY ONSET. Identifiers: Orphanet 79242, MedGen C0268581, MONDO:0009666, OMIM 253270.

Submissions (2):

PreventionGenetics, part of Exact Sciences
Classification: Likely pathogenic for HLCS-related condition. Last evaluated: 2026-07-10. Review status: criteria provided, single submitter. Criteria: ACMG Guidelines, 2015. Collection method: clinical testing. Allele origin: germline.
Comment: The HLCS c.517dupC variant is predicted to result in a frameshift and premature protein termination (p.Gln173Profs*21). This variant has not been reported in the literature or in a large population database (gnomAD), indicating this variant is rare. Frameshift variants in HLCS are expected to be pathogenic. This variant is interpreted as likely pathogenic.

Revvity Omics, Revvity
Classification: Likely pathogenic for Holocarboxylase synthetase deficiency. Last evaluated: 2021-12-23. Review status: criteria provided, single submitter. Criteria: ACMG Guidelines, 2015. Collection method: clinical testing. Allele origin: germline.